The following is an entry in ClinVar:

NM_006059.4(LAMC3):c.3211+2T>C

Gene: LAMC3 (laminin subunit gamma 3; plus strand). Cytogenetic location: 9q34.12.
Variant type: single nucleotide variant.
Coding change: c.3211+2T>C on transcript NM_006059.4 (MANE Select); the canonical splice donor site of the intron after coding-DNA position 3211, T replaced by C.
Molecular consequence: splice donor variant.
Genome position (GRCh38, 1-based): chr9:131,071,627, T>C. VCF-style: chr9-131071627-T-C. GRCh37 (hg19) VCF-style: chr9-133947014-T-C.
Identifiers: ClinVar variation 1701766 (VCV001701766.4), dbSNP rs2133322852, ClinGen allele CA375257623.

ClinVar aggregate classification (germline): Likely pathogenic. Review status: criteria provided, multiple submitters, no conflicts (2 of 4 stars). 2 submissions from 2 submitters: Likely pathogenic (2). Last evaluated 2023-03-20.

Conditions:
Occipital pachygyria and polymicrogyria. Identifiers: Orphanet 280640, MedGen C3279875, MONDO:0013583, OMIM 614115.

Allele frequency attached by ClinVar (database versions not stated): gnomAD exomes below 0.00001.
gnomAD v4.1: 1 of 1,578,598 alleles (0.000063%); highest among the groups gnomAD compares: Admixed American, 0.0017%; no homozygotes.

Submissions (2):

Labcorp Genetics (formerly Invitae), Labcorp
Classification: Likely pathogenic. Last evaluated: 2023-03-20. Review status: criteria provided, single submitter. Criteria: Invitae Variant Classification Sherloc (09022015). Collection method: clinical testing. Allele origin: germline.
Comment: This sequence change affects a donor splice site in intron 18 of the LAMC3 gene. It is expected to disrupt RNA splicing. Variants that disrupt the donor or acceptor splice site typically lead to a loss of protein function (PMID: 16199547), and loss-of-function variants in LAMC3 are known to be pathogenic (PMID: 21572413, 26802095). This variant is not present in population databases (gnomAD no frequency). This variant has not been reported in the literature in individuals affected with LAMC3-related conditions. ClinVar contains an entry for this variant (Variation ID: 1701766). Algorithms developed to predict the effect of sequence changes on RNA splicing suggest that this variant may disrupt the consensus splice site. In summary, the currently available evidence indicates that the variant is pathogenic, but additional data are needed to prove that conclusively. Therefore, this variant has been classified as Likely Pathogenic.

New York Genome Center
Classification: Likely pathogenic for Occipital pachygyria and polymicrogyria. Last evaluated: 2021-09-14. Review status: criteria provided, single submitter. Criteria: NYGC Assertion Criteria 2020. Collection method: clinical testing. Allele origin: inherited. Observed: 1 heterozygote. Study: CSER-NYCKidSeq.

Literature cited by the submitters: PubMed 16199547 (cited by Labcorp Genetics (formerly Invitae), Labcorp); PubMed 21572413 (cited by Labcorp Genetics (formerly Invitae), Labcorp); PubMed 26802095 (cited by Labcorp Genetics (formerly Invitae), Labcorp).